The following is an entry in ClinVar:

NM_006904.7(PRKDC):c.2638A>T (p.Met880Leu)

Gene: PRKDC (protein kinase, DNA-activated, catalytic subunit; minus strand). Cytogenetic location: 8q11.21.
Variant type: single nucleotide variant.
Coding change: c.2638A>T on transcript NM_006904.7 (MANE Select); coding-DNA position 2638, A replaced by T.
Protein change: p.Met880Leu; replaces methionine 880 with leucine.
Molecular consequence: missense variant.
Genome position (GRCh38, 1-based): chr8:47,914,044, T>A on the plus strand (A>T on the coding strand, the complement: PRKDC is on the minus strand). VCF-style: chr8-47914044-T-A. GRCh37 (hg19) VCF-style: chr8-48826604-T-A.
Other names: c.2638A>T, p.Met880Leu (NM_001081640.2); short protein forms M880L.
Identifiers: ClinVar variation 1933214 (VCV001933214.7), dbSNP rs778352505, ClinGen allele CA4741407.

ClinVar aggregate classification (germline): Uncertain significance. Review status: criteria provided, multiple submitters, no conflicts (2 of 4 stars). 2 submissions from 2 submitters: Uncertain significance (2). Last evaluated 2025-11-03.

Conditions:
Severe combined immunodeficiency due to DNA-PKcs deficiency. Also called: IMMUNODEFICIENCY 26 WITH NEUROLOGIC ABNORMALITIES; Immunodeficiency 26 with or without neurologic abnormalities. Identifiers: Orphanet 317425, MedGen C4014833, MONDO:0014423, OMIM 615966.

Allele frequency attached by ClinVar (database versions not stated): ExAC 0.00001; TOPMed 0.00002.
gnomAD v4.1: 2 of 1,554,360 alleles (0.00013%); highest among the groups gnomAD compares: Admixed American, 0.004%; no homozygotes.

Submissions (2):

Labcorp Genetics (formerly Invitae), Labcorp
Classification: Uncertain significance for Severe combined immunodeficiency due to DNA-PKcs deficiency. Last evaluated: 2025-11-03. Review status: criteria provided, single submitter. Criteria: Invitae Variant Classification Sherloc (09022015). Collection method: clinical testing. Allele origin: germline.
Comment: This sequence change replaces methionine, which is neutral and non-polar, with leucine, which is neutral and non-polar, at codon 880 of the PRKDC protein (p.Met880Leu). This variant is present in population databases (rs778352505, gnomAD no frequency). This variant has not been reported in the literature in individuals affected with PRKDC-related conditions. ClinVar contains an entry for this variant (Variation ID: 1933214). Invitae Evidence Modeling of protein sequence and biophysical properties (such as structural, functional, and spatial information, amino acid conservation, physicochemical variation, residue mobility, and thermodynamic stability) indicates that this missense variant is not expected to disrupt PRKDC protein function with a negative predictive value of 80%. In summary, the available evidence is currently insufficient to determine the role of this variant in disease. Therefore, it has been classified as a Variant of Uncertain Significance.

Ambry Genetics
Classification: Uncertain significance. Last evaluated: 2022-11-26. Review status: criteria provided, single submitter. Criteria: Ambry Variant Classification Scheme 2023. Collection method: clinical testing. Allele origin: germline.
Comment: The p.M880L variant (also known as c.2638A>T), located in coding exon 24 of the PRKDC gene, results from an A to T substitution at nucleotide position 2638. The methionine at codon 880 is replaced by leucine, an amino acid with highly similar properties. This amino acid position is conserved. In addition, this alteration is predicted to be tolerated by in silico analysis. Since supporting evidence is limited at this time, the clinical significance of this alteration remains unclear.